The following is an entry in ClinVar:

NM_001256627.2(BRSK2):c.344C>G (p.Pro115Arg)

Gene: BRSK2 (BR serine/threonine kinase 2; plus strand). Cytogenetic location: 11p15.5.
Variant type: single nucleotide variant.
Coding change: c.344C>G on transcript NM_001256627.2 (MANE Select); coding-DNA position 344, C replaced by G.
Protein change: p.Pro115Arg; replaces proline 115 with arginine.
Molecular consequence: missense variant. On other transcripts: non-coding transcript variant (1).
Genome position (GRCh38, 1-based): chr11:1,440,859, C>G. VCF-style: chr11-1440859-C-G. GRCh37 (hg19) VCF-style: chr11-1462089-C-G.
Other names: c.344C>G, p.Pro115Arg (NM_001256629.2, NM_003957.4); c.482C>G, p.Pro161Arg (NM_001256630.1); c.164C>G, p.Pro55Arg (NM_001282218.2); short protein forms P115R, P161R, P55R.
Identifiers: ClinVar variation 3384542 (VCV003384542.2).
Genomic context (GRCh38, chr11:1,440,859, plus strand): 5'-TAGAACACGTGTCAGGTGGTGAGCTCTTCGACTACCTGGTGAAGAAGGGGAGGCTGACGC[C>G]TAAGGAGGCTCGGAAGTTCTTCCGGCAGATCATCTCTGCGCTGGACTTCTGCCACAGCCA-3'
Protein context (NP_001243556.1, residues 105-125): DYLVKKGRLT[Pro115Arg]KEARKFFRQI

ClinVar aggregate classification (germline): Uncertain significance (1 of 4 stars; one submission).

Submission:

GeneDx
Classification: Uncertain significance. Last evaluated: 2025-11-07. Review status: criteria provided, single submitter. Criteria: GeneDx Variant Classification Process June 2021. Collection method: clinical testing. Allele origin: germline.
Comment: Not observed at significant frequency in large population cohorts (gnomAD); In silico analysis supports that this missense variant has a deleterious effect on protein structure/function; Has not been previously published as pathogenic or benign to our knowledge